The following is an entry in ClinVar:

ClinVar aggregate classification (germline): Uncertain significance (1 of 4 stars; one submission).

Submission:

Mayo Clinic Laboratories, Mayo Clinic
Classification: Uncertain significance. Last evaluated: 2025-11-21. Review status: criteria provided, single submitter. Criteria: ACMG Guidelines, 2015. Collection method: clinical testing. Allele origin: germline. Observed: 1 variant allele.
Comment: PM2_supporting

NM_001005373.4(LRSAM1):c.356T>C (p.Leu119Pro)

Gene: LRSAM1 (leucine rich repeat and sterile alpha motif containing 1; plus strand). Cytogenetic location: 9q33.3.
Variant type: single nucleotide variant.
Coding change: c.356T>C on transcript NM_001005373.4 (MANE Select); coding-DNA position 356, T replaced by C.
Protein change: p.Leu119Pro; replaces leucine 119 with proline.
Molecular consequence: missense variant. On other transcripts: 5 prime UTR variant (1), non-coding transcript variant (2).
Genome position (GRCh38, 1-based): chr9:127,461,207, T>C. VCF-style: chr9-127461207-T-C. GRCh37 (hg19) VCF-style: chr9-130223486-T-C.
Other names: p.Leu119Pro; c.356T>C, p.Leu119Pro (NM_001005374.4, NM_001190723.3, NM_001384142.1 and 2 more transcripts); c.-429T>C (NM_001384144.1); short protein forms L119P.
Identifiers: ClinVar variation 4541472 (VCV004541472.1).